The following is an entry in ClinVar:

NM_001385012.1(NBEA):c.2506A>G (p.Thr836Ala)

Gene: NBEA (neurobeachin; plus strand). Cytogenetic location: 13q13.3.
Variant type: single nucleotide variant.
Coding change: c.2506A>G on transcript NM_001385012.1 (MANE Select); coding-DNA position 2506, A replaced by G.
Protein change: p.Thr836Ala; replaces threonine 836 with alanine.
Molecular consequence: missense variant.
Genome position (GRCh38, 1-based): chr13:35,155,834, A>G. VCF-style: chr13-35155834-A-G. GRCh37 (hg19) VCF-style: chr13-35729971-A-G.
Other names: c.2506A>G, p.Thr836Ala (NM_001379245.1, NM_015678.5); short protein forms T836A.
Identifiers: ClinVar variation 4540123 (VCV004540123.1).
Genomic context (GRCh38, chr13:35,155,834, plus strand): 5'-ATCTTGACAGAACAAGTATGTACTCAGGTCGTACACAAACCACATCCAGAGCCAGATTCT[A>G]CAGTGAAAATTCAGAATCCAAGTGAGCAAATGGCAGTTCTTTACTGTATTGTGGTAGGCG-3'
Protein context (NP_001371941.1, residues 826-846): VHKPHPEPDS[Thr836Ala]VKIQNPMILK

ClinVar aggregate classification (germline): Uncertain significance (1 of 4 stars; one submission).

Submission:

GeneDx
Classification: Uncertain significance. Last evaluated: 2025-06-16. Review status: criteria provided, single submitter. Criteria: GeneDx Variant Classification Process June 2021. Collection method: clinical testing. Allele origin: germline. Affected: yes.
Comment: Not observed at significant frequency in large population cohorts (gnomAD); In silico analysis suggests that this missense variant does not alter protein structure/function; Has not been previously published as pathogenic or benign to our knowledge